The following is an entry in ClinVar:

ClinVar aggregate classification (germline): Uncertain significance. Review status: criteria provided, multiple submitters, no conflicts (2 of 4 stars). 3 submissions from 3 submitters: Uncertain significance (3). Last evaluated 2024-05-20.

Conditions:
Inborn genetic diseases. Identifiers: MedGen C0950123, MeSH D030342.

Allele frequency attached by ClinVar (database versions not stated): ExAC 0.00001; gnomAD exomes 0.00001; gnomAD 0.00002.
gnomAD v4.1: 13 of 1,607,592 alleles (0.00081%); highest among the groups gnomAD compares: Middle Eastern, 0.017%; no homozygotes.

Submissions (3):

Blueprint Genetics
Classification: Uncertain significance. Last evaluated: 2024-05-20. Review status: criteria provided, single submitter. Criteria: ACMG Guidelines, 2015. Collection method: clinical testing. Allele origin: germline.

Ambry Genetics
Classification: Uncertain significance for Inborn genetic diseases. Last evaluated: 2024-02-14. Review status: criteria provided, single submitter. Criteria: Ambry Variant Classification Scheme 2023. Collection method: clinical testing. Allele origin: germline.

GeneDx
Classification: Uncertain significance. Last evaluated: 2023-09-12. Review status: criteria provided, single submitter. Criteria: GeneDx Variant Classification Process June 2021. Collection method: clinical testing. Allele origin: germline. Affected: yes.
Comment: In silico analysis supports that this missense variant has a deleterious effect on protein structure/function; Has not been previously published as pathogenic or benign to our knowledge

NM_019023.5(PRMT7):c.484G>A (p.Ala162Thr)

Gene: PRMT7 (protein arginine methyltransferase 7; plus strand). Cytogenetic location: 16q22.1.
Variant type: single nucleotide variant.
Coding change: c.484G>A on transcript NM_019023.5 (MANE Select); coding-DNA position 484, G replaced by A.
Protein change: p.Ala162Thr; replaces alanine 162 with threonine.
Molecular consequence: missense variant. On other transcripts: non-coding transcript variant (12).
Genome position (GRCh38, 1-based): chr16:68,337,551, G>A. VCF-style: chr16-68337551-G-A. GRCh37 (hg19) VCF-style: chr16-68371454-G-A.
Other names: c.334G>A, p.Ala112Thr (NM_001184824.4); c.484G>A, p.Ala162Thr (NM_001290018.2, NM_001351143.3, NM_001351144.3 and 1 more transcripts); c.277G>A, p.Ala93Thr (NM_001378020.1); c.247G>A, p.Ala83Thr (NM_001378021.1, NM_001378022.1, NM_001378023.1); short protein forms A112T, A162T, A83T, A93T.
Identifiers: ClinVar variation 2575734 (VCV002575734.5), dbSNP rs764463683, ClinGen allele CA8127115.